The following is an entry in ClinVar:

ClinVar aggregate classification (germline): Uncertain significance. Review status: criteria provided, multiple submitters, no conflicts (2 of 4 stars). 2 submissions from 2 submitters: Uncertain significance (2). Last evaluated 2021-09-02.

Conditions:
Muscular dystrophy-dystroglycanopathy type B6 (MDDGB6). Also called: MUSCULAR DYSTROPHY, CONGENITAL, LARGE-RELATED; MUSCULAR DYSTROPHY-DYSTROGLYCANOPATHY (CONGENITAL WITH IMPAIRED INTELLECTUAL DEVELOPMENT), TYPE B, 6; MUSCULAR DYSTROPHY, CONGENITAL, TYPE 1D. Identifiers: MedGen C1837229, MONDO:0012138, OMIM 608840.

Allele frequency attached by ClinVar (database versions not stated): gnomAD 0.00001; ExAC 0.00002; gnomAD exomes 0.00002; TOPMed 0.00002.
gnomAD v4.1: 30 of 1,613,600 alleles (0.0019%); highest among the groups gnomAD compares: South Asian, 0.0088%; no homozygotes.

Submissions (2):

Labcorp Genetics (formerly Invitae), Labcorp
Classification: Uncertain significance for Muscular dystrophy-dystroglycanopathy type B6. Last evaluated: 2021-09-02. Review status: criteria provided, single submitter. Criteria: Invitae Variant Classification Sherloc (09022015). Collection method: clinical testing. Allele origin: germline.
Comment: This sequence change replaces arginine with glutamine at codon 95 of the LARGE1 protein (p.Arg95Gln). The arginine residue is moderately conserved and there is a small physicochemical difference between arginine and glutamine. This variant is present in population databases (rs773482355, ExAC 0.01%). This variant has not been reported in the literature in individuals affected with LARGE1-related conditions. Algorithms developed to predict the effect of missense changes on protein structure and function (SIFT, PolyPhen-2, Align-GVGD) all suggest that this variant is likely to be tolerated. In summary, the available evidence is currently insufficient to determine the role of this variant in disease. Therefore, it has been classified as a Variant of Uncertain Significance.

Revvity Omics, Revvity
Classification: Uncertain significance. Last evaluated: 2020-08-18. Review status: criteria provided, single submitter. Criteria: ACMG Guidelines, 2015. Collection method: clinical testing. Allele origin: germline.

NM_133642.5(LARGE1):c.284G>A (p.Arg95Gln)

Gene: LARGE1 (LARGE xylosyl- and glucuronyltransferase 1; minus strand). Cytogenetic location: 22q12.3.
Variant type: single nucleotide variant.
Coding change: c.284G>A on transcript NM_133642.5 (MANE Select); coding-DNA position 284, G replaced by A.
Protein change: p.Arg95Gln; replaces arginine 95 with glutamine.
Molecular consequence: missense variant.
Genome position (GRCh38, 1-based): chr22:33,650,491, C>T on the plus strand (G>A on the coding strand, the complement: LARGE1 is on the minus strand). VCF-style: chr22-33650491-C-T. GRCh37 (hg19) VCF-style: chr22-34046477-C-T.
Other names: c.284G>A, p.Arg95Gln (NM_001362949.2, NM_001362951.2, NM_001362953.2 and 7 more transcripts); c.284G>A (NM_004737.4); short protein forms R95Q.
Identifiers: ClinVar variation 1363885 (VCV001363885.7), dbSNP rs773482355, ClinGen allele CA10203096.
Genomic context (GRCh38, chr22:33,650,491, plus strand): 5'-CGAAGGTTCTCGCTGTCTCCAGTGCCCTCCTCCATGGAGTAGGTCTTGGAGTGGTTGCCT[C>T]GGCGATGGGATGGGGCTCGGCCCTGGGCCAGGCTGAGCTGCCTGCGGAGGGCGCGGTTCT-3'
Protein context (NP_598397.1, residues 85-105): LAQGRAPSHR[Arg95Gln]GNHSKTYSME